The following is an entry in ClinVar:

NM_001385012.1(NBEA):c.5500A>G (p.Lys1834Glu)

Gene: NBEA (neurobeachin; plus strand). Cytogenetic location: 13q13.3.
Variant type: single nucleotide variant.
Coding change: c.5500A>G on transcript NM_001385012.1 (MANE Select); coding-DNA position 5500, A replaced by G.
Protein change: p.Lys1834Glu; replaces lysine 1834 with glutamic acid.
Molecular consequence: missense variant.
Genome position (GRCh38, 1-based): chr13:35,208,833, A>G. VCF-style: chr13-35208833-A-G. GRCh37 (hg19) VCF-style: chr13-35782970-A-G.
Other names: c.5491A>G, p.Lys1831Glu (NM_001379245.1); c.5500A>G, p.Lys1834Glu (NM_015678.5); short protein forms K1831E, K1834E.
Identifiers: ClinVar variation 4885775 (VCV004885775.2).
Genomic context (GRCh38, chr13:35,208,833, plus strand): 5'-GGAAGTGGGCTGCCAACAGGCAGTACCTCTAATATATTTGCTGCTACTGGAGCTACACCA[A>G]AAAGTATGATTAATACAACAGGTATTGTACTTACATATTTTTGTGATACTCATCTTTTTA-3'
Protein context (NP_001371941.1, residues 1824-1844): NIFAATGATP[Lys1834Glu]SMINTTGAVD

ClinVar aggregate classification (germline): Uncertain significance (1 of 4 stars; one submission).

Submission:

Dasa
Classification: Uncertain significance. Last evaluated: 2026-04-05. Review status: criteria provided, single submitter. Criteria: DASA Assertion Criteria. Collection method: clinical testing. Allele origin: germline.
Comment: NM_001385012.1(NBEA):c.5500A>G (p.Lys1834Glu) is a missense variant that results in the substitution of lysine with glutamic acid. This variant is absent from population databases. The currently available literature and clinical evidence are not sufficient to establish a definitive association between this variant and the reported condition. Therefore, this variant is classified as a variant of uncertain significance.